The following is an entry in ClinVar:

NM_006690.4(MMP24):c.38C>A (p.Pro13Gln)

Genes: MMP24 (matrix metallopeptidase 24; plus strand), MMP24-AS1-EDEM2 (MMP24-AS1-EDEM2 readthrough; minus strand). Cytogenetic location: 20q11.22.
Variant type: single nucleotide variant.
Coding change: c.38C>A on transcript NM_006690.4 (MANE Select); coding-DNA position 38, C replaced by A.
Protein change: p.Pro13Gln; replaces proline 13 with glutamine.
Molecular consequence: missense variant. On other transcripts: intron variant (1).
Genome position (GRCh38, 1-based): chr20:35,226,776, C>A. VCF-style: chr20-35226776-C-A. GRCh37 (hg19) VCF-style: chr20-33814579-C-A.
Other names: c.-351-8715G>T (NM_001355008.2); short protein forms P13Q.
Identifiers: ClinVar variation 2534283 (VCV002534283.2), dbSNP rs2515600939, ClinGen allele CA408706383.

ClinVar aggregate classification (germline): Uncertain significance (1 of 4 stars; one submission).

Submission:

Ambry Genetics
Classification: Uncertain significance. Last evaluated: 2023-04-07. Review status: criteria provided, single submitter. Criteria: Ambry Variant Classification Scheme 2023. Collection method: clinical testing. Allele origin: germline.
Comment: The c.38C>A (p.P13Q) alteration is located in exon (coding exon ) of the MMP24 gene. This alteration results from a C to A substitution at nucleotide position 38, causing the proline (P) at amino acid position 13 to be replaced by a glutamine (Q). Based on insufficient or conflicting evidence, the clinical significance of this alteration remains unclear.